The following is an entry in ClinVar:

NM_022124.6(CDH23):c.4070A>G (p.Gln1357Arg)

Genes: C10orf105 (chromosome 10 open reading frame 105; minus strand), CDH23 (cadherin related 23; plus strand). Cytogenetic location: 10q22.1.
Variant type: single nucleotide variant.
Coding change: c.4070A>G on transcript NM_022124.6 (MANE Select); coding-DNA position 4070, A replaced by G.
Protein change: p.Gln1357Arg; replaces glutamine 1357 with arginine.
Molecular consequence: missense variant. On other transcripts: intron variant (1).
Genome position (GRCh38, 1-based): chr10:71,732,341, A>G. VCF-style: chr10-71732341-A-G. GRCh37 (hg19) VCF-style: chr10-73492098-A-G.
Other names: c.4070A>G, p.Gln1357Arg (NM_001171930.2); c.-6+5387T>C (NM_001168390.2); short protein forms Q1357R.
Identifiers: ClinVar variation 989830 (VCV000989830.5), dbSNP rs1038949759, ClinGen allele CA209480659.

ClinVar aggregate classification (germline): Uncertain significance. Review status: criteria provided, single submitter (1 of 4 stars). 2 submissions from 2 submitters: Uncertain significance (1). 1 of the submissions does not count toward it. Last evaluated 2022-08-09.

Conditions:
Usher syndrome type 1 (USH1). Also called: RETINITIS PIGMENTOSA AND CONGENITAL DEAFNESS. Identifiers: Orphanet 231169, Orphanet 886, MedGen C1568247, MONDO:0010168, OMIM 276900.

Allele frequency attached by ClinVar (database versions not stated): gnomAD 0.00001; gnomAD exomes 0.00002 and 0.00001; TOPMed 0.00002.
gnomAD v4.1: 6 of 1,581,134 alleles (0.00038%); highest among the groups gnomAD compares: African/African-American, 0.0014%; no homozygotes.

Submissions (2):

Labcorp Genetics (formerly Invitae), Labcorp
Classification: Uncertain significance. Last evaluated: 2022-08-09. Review status: criteria provided, single submitter. Criteria: Invitae Variant Classification Sherloc (09022015). Collection method: clinical testing. Allele origin: germline.
Comment: This sequence change replaces glutamine, which is neutral and polar, with arginine, which is basic and polar, at codon 1357 of the CDH23 protein (p.Gln1357Arg). This variant is present in population databases (no rsID available, gnomAD 0.009%). This variant has not been reported in the literature in individuals affected with CDH23-related conditions. ClinVar contains an entry for this variant (Variation ID: 989830). Algorithms developed to predict the effect of missense changes on protein structure and function are either unavailable or do not agree on the potential impact of this missense change (SIFT: "Deleterious"; PolyPhen-2: "Not Available"; Align-GVGD: "Class C0"). In summary, the available evidence is currently insufficient to determine the role of this variant in disease. Therefore, it has been classified as a Variant of Uncertain Significance.

Natera, Inc.
Classification: Uncertain significance for Usher syndrome type 1. Last evaluated: 2020-04-15. Review status: no assertion criteria provided. Collection method: clinical testing. Allele origin: germline. Not counted in ClinVar's aggregate classification.